The following is an entry in ClinVar:

ClinVar aggregate classification (germline): Pathogenic/Likely pathogenic. Review status: criteria provided, multiple submitters, no conflicts (2 of 4 stars). 2 submissions from 2 submitters: Pathogenic (1); Likely pathogenic (1). Last evaluated 2023-10-15.

Conditions:
GGCX-related disorder. Also called: GGCX - Related Disorders; GGCX-related condition.

Submissions (2):

Labcorp Genetics (formerly Invitae), Labcorp
Classification: Pathogenic. Last evaluated: 2023-10-15. Review status: criteria provided, single submitter. Criteria: Invitae Variant Classification Sherloc (09022015). Collection method: clinical testing. Allele origin: germline.
Comment: This sequence change creates a premature translational stop signal (p.Gln433Glufs*26) in the GGCX gene. It is expected to result in an absent or disrupted protein product. Loss-of-function variants in GGCX are known to be pathogenic (PMID: 17110937, 17327402, 24520408). This variant is present in population databases (no rsID available, gnomAD 0.002%). This variant has not been reported in the literature in individuals affected with GGCX-related conditions. For these reasons, this variant has been classified as Pathogenic.

PreventionGenetics, part of Exact Sciences
Classification: Likely pathogenic for GGCX-related condition. Last evaluated: 2023-08-18. Review status: criteria provided, single submitter. Criteria: ACMG Guidelines, 2015. Collection method: clinical testing. Allele origin: germline.
Comment: The GGCX c.1297_1298delCA variant is predicted to result in a frameshift and premature protein termination (p.Gln433Glufs*26). To our knowledge, this variant has not been reported in the literature. This variant is reported in 0.0018% of alleles in individuals of European (Non-Finnish) descent in gnomAD. Frameshift variants in GGCX are expected to be pathogenic. This variant is interpreted as likely pathogenic.

Literature cited by the submitters: PubMed 17110937 (cited by Labcorp Genetics (formerly Invitae), Labcorp); PubMed 17327402 (cited by Labcorp Genetics (formerly Invitae), Labcorp); PubMed 24520408 (cited by Labcorp Genetics (formerly Invitae), Labcorp).

NM_000821.7(GGCX):c.1297_1298del (p.Gln433fs)

Gene: GGCX (gamma-glutamyl carboxylase; minus strand). Cytogenetic location: 2p11.2.
Variant type: Microsatellite.
Coding change: c.1297_1298del on transcript NM_000821.7 (MANE Select); coding-DNA positions 1297 to 1298, 2 bases deleted (CA; older notation c.1297_1298delCA).
Protein change: p.Gln433fs; shifts the reading frame from glutamine 433.
Molecular consequence: frameshift variant.
Genome position (GRCh38, 1-based): chr2:85,552,557-85,552,558, TG deleted on the plus strand (CA on the coding strand, the reverse complement: GGCX is on the minus strand); deleting any 2 consecutive bases within chr2:85,552,557-85,552,561 gives the same sequence; the c. name uses the placement nearest the transcript's 3' end. VCF-style (leftmost placement, unchanged base first): chr2-85552556-CTG-C. GRCh37 (hg19) VCF-style: chr2-85779679-CTG-C.
Other names: c.1126_1127del, p.Gln376fs (NM_001142269.4); short protein forms Q376fs, Q433fs.
Identifiers: ClinVar variation 2631203 (VCV002631203.4), dbSNP rs1558806955, ClinGen allele CA534173510.
Genomic context (GRCh38, chr2:85,552,556, plus strand): 5'-GCGGCTCAGGCAAGTGGCATATTGCTTCAGCATGTCTGCATGATCCTTCCATCGCCGACT[CTG>C]TGTAAATACCTGCCCCAAACCCCCATATTAGTCCCACCTCATCATTATCAACTTCCAAGA-3'